The following is an entry in ClinVar:

NM_152393.4(KLHL40):c.1412_1415delinsC (p.Gly471_Ser472delinsAla)

Gene: KLHL40 (kelch like family member 40; plus strand). Cytogenetic location: 3p22.1.
Variant type: Indel.
Coding change: c.1412_1415delinsC on transcript NM_152393.4 (MANE Select); coding-DNA positions 1412 to 1415, GCAG replaced by C.
Protein change: p.Gly471_Ser472delinsAla.
Molecular consequence: inframe indel.
Genome position (GRCh38, 1-based): chr3:42,688,708-42,688,711, GCAG replaced by C. VCF-style: chr3-42688708-GCAG-C. GRCh37 (hg19) VCF-style: chr3-42730200-GCAG-C.
Identifiers: ClinVar variation 648873 (VCV000648873.4), dbSNP rs1427058930, ClinGen allele CA915942432.

ClinVar aggregate classification (germline): Uncertain significance (1 of 4 stars; one submission).

Conditions:
Nemaline myopathy 8 (NEM8). Also called: Nemaline myopathy 8, autosomal recessive. Identifiers: Orphanet 171430, MedGen C3809209, MONDO:0014138, OMIM 615348.

Submission:

Labcorp Genetics (formerly Invitae), Labcorp
Classification: Uncertain significance for Nemaline myopathy 8. Last evaluated: 2022-06-04. Review status: criteria provided, single submitter. Criteria: Invitae Variant Classification Sherloc (09022015). Collection method: clinical testing. Allele origin: germline.
Comment: This variant, c.1412_1415delinsC, is a complex sequence change that results in the deletion of 2 and insertion of 1 amino acid(s) in the KLHL40 protein (p.Gly471_Ser472delinsAla). This variant is not present in population databases (gnomAD no frequency). This variant has not been reported in the literature in individuals affected with KLHL40-related conditions. Experimental studies and prediction algorithms are not available or were not evaluated, and the functional significance of this variant is currently unknown. In summary, the available evidence is currently insufficient to determine the role of this variant in disease. Therefore, it has been classified as a Variant of Uncertain Significance.